The following is an entry in ClinVar:

NM_024298.5(MBOAT7):c.1031+17A>G

Gene: MBOAT7 (membrane bound acylglycerophosphatidylinositol O-acyltransferase MBOAT7; minus strand). Cytogenetic location: 19q13.42.
Variant type: single nucleotide variant.
Coding change: c.1031+17A>G on transcript NM_024298.5 (MANE Select); 17 bases into the intron after coding-DNA position 1031, A replaced by G.
Molecular consequence: intron variant. On other transcripts: 3 prime UTR variant (1).
Genome position (GRCh38, 1-based): chr19:54,178,748, T>C on the plus strand (A>G on the coding strand, the complement: MBOAT7 is on the minus strand). VCF-style: chr19-54178748-T-C. GRCh37 (hg19) VCF-style: chr19-54682465-T-C.
Other names: c.*13A>G (NM_001146082.3); c.812+17A>G (NM_001146056.3, NM_001146083.3).
Identifiers: ClinVar variation 1028295 (VCV001028295.1), dbSNP rs1034934225, ClinGen allele CA309346222.
Genomic context (GRCh38, chr19:54,178,748, plus strand): 5'-GACGCTGCAGGCTACCCTGGGGCCTGCTGGGAGATGTAGTTCTGCAGTGTCACCTGAGAC[T>C]GGGCGGGCTCACTCACCGCAGGACATAGGAACGGGCAGGTGCGCTCTTGTAGATATACTG-3'

ClinVar aggregate classification (germline): Uncertain significance (1 of 4 stars; one submission).

Conditions:
Intellectual developmental disorder, autosomal recessive 57. Also called: Intellectual disability, autosomal recessive 57. Identifiers: MedGen C4310673, MONDO:0014962, OMIM 617188.

Allele frequency attached by ClinVar (database versions not stated): TOPMed 0.00003.

Submission:

Baylor Genetics
Classification: Uncertain significance for Intellectual developmental disorder, autosomal recessive 57. Last evaluated: 2019-07-31. Review status: criteria provided, single submitter. Criteria: ACMG Guidelines, 2015. Collection method: clinical testing. Allele origin: paternal. Affected: yes.
Comment: This variant was determined to be of uncertain significance according to ACMG Guidelines, 2015 [PMID:25741868].